The following is an entry in ClinVar:

ClinVar aggregate classification (germline): Uncertain significance (1 of 4 stars; one submission).

Submission:

GeneDx
Classification: Uncertain significance. Last evaluated: 2025-05-01. Review status: criteria provided, single submitter. Criteria: GeneDx Variant Classification Process June 2021. Collection method: clinical testing. Allele origin: germline. Affected: yes.
Comment: Not observed at significant frequency in large population cohorts (gnomAD); In silico analysis supports that this missense variant has a deleterious effect on protein structure/function; Has not been previously published as pathogenic or benign to our knowledge

NM_001991.5(EZH1):c.1966G>A (p.Gly656Arg)

Gene: EZH1 (enhancer of zeste 1 polycomb repressive complex 2 subunit; minus strand). Cytogenetic location: 17q21.2.
Variant type: single nucleotide variant.
Coding change: c.1966G>A on transcript NM_001991.5 (MANE Select); coding-DNA position 1966, G replaced by A.
Protein change: p.Gly656Arg; replaces glycine 656 with arginine.
Molecular consequence: missense variant.
Genome position (GRCh38, 1-based): chr17:42,704,653, C>T on the plus strand (G>A on the coding strand, the complement: EZH1 is on the minus strand). VCF-style: chr17-42704653-C-T. GRCh37 (hg19) VCF-style: chr17-40856671-C-T.
Other names: c.1984G>A, p.Gly662Arg (NM_001321079.2); c.1939G>A, p.Gly647Arg (NM_001321081.2); c.1846G>A, p.Gly616Arg (NM_001321082.2); short protein forms G616R, G647R, G656R, G662R.
Identifiers: ClinVar variation 4527854 (VCV004527854.1).